The following continues an entry in ClinVar:

NM_000535.7(PMS2):c.2095G>C (p.Asp699His)

Gene: PMS2. ClinVar aggregate classification (germline): Pathogenic/Likely pathogenic. Pathogenic (5); Likely pathogenic (5).

Submissions 8 to 11 of 11:

GeneDx
Classification: Pathogenic. Last evaluated: 2023-02-22. Review status: criteria provided, single submitter. Criteria: GeneDx Variant Classification Process June 2021. Collection method: clinical testing. Allele origin: germline. Affected: yes.
Comment: Identified in the heterozygous state in patients with Lynch-related cancers or with a tumor demonstrating isolated loss of PMS2 expression via immunohistochemistry (Vaughn et al., 2010; Roberts et al., 2014; Wang et al., 2020); Published functional studies demonstrate a damaging effect: impaired MMR activity (Arora et al., 2017; D'Arcy et al., 2022); In silico analysis supports that this missense variant has a deleterious effect on protein structure/function; Not observed in large population cohorts (gnomAD); This variant is associated with the following publications: (PMID: 25856668, 31391288, 24113346, 23012243, 31992580, 29345684, 20205264, 23729388, 28494185, 35189042, 18619468)

Sema4
Classification: Likely pathogenic for Hereditary cancer-predisposing syndrome. Last evaluated: 2022-03-16. Review status: criteria provided, single submitter. Criteria: Sema4 Curation Guidelines. Collection method: curation. Allele origin: germline.
Comment: The PMS2 c.2095G>C (p.D699H) variant has been reported in heterozygosity in multiple individuals with Lynch syndrome-associated cancers (PMID: 28514183, 23012243, 20205264, 29345684, 31992580). It has also been reported as homozygous in an individual with constitutional mismatch repair deficiency (PMID: 23729388). This variant is not reported in the population database Genome Aggregation Database (PMID: 32461654). This variant has been reported in ClinVar (Variation ID: 140847). In silico tools suggest the impact of the variant on protein function is deleterious. Functional studies indicated the variant was moderately functional and showed a borderline deficiency in the DNA damage response affecting cell viability (PMID: 28494185). Based on the current evidence available, this variant is interpreted as likely pathogenic.

Mayo Clinic Laboratories, Mayo Clinic
Classification: Likely pathogenic. Last evaluated: 2021-05-13. Review status: criteria provided, single submitter. Criteria: ACMG Guidelines, 2015. Collection method: clinical testing. Allele origin: germline.
Comment: PP3, PP4, PM2, PM3

PreventionGenetics, part of Exact Sciences
Classification: Likely pathogenic for PMS2-related condition. Last evaluated: 2024-07-29. Review status: no assertion criteria provided. Collection method: clinical testing. Allele origin: germline. Not counted in ClinVar's aggregate classification.
Comment: The PMS2 c.2095G>C variant is predicted to result in the amino acid substitution p.Asp699His. This variant has been reported in individuals with Lynch syndrome related cancers (Vaughn et al. 2010. PubMed ID: 20205264; Vaughn et al. 2013. PubMed ID: 23012243), and observed in the homozygous state in a patient with constitutional mismatch repair deficiency (Walter et al. 2013. PubMed ID: 23729388). This variant has not been reported in a large population database, indicating this variant is rare. This variant is interpreted as likely pathogenic or pathogenic in ClinVar. This variant is interpreted as likely pathogenic.

Literature cited by the submitters: PubMed 20205264 (cited by 5 submitters); PubMed 25856668 (cited by Women's Health and Genetics/Laboratory Corporation of America, LabCorp and Quest Diagnostics Nichols Institute San Juan Capistrano); PubMed 28494185 (cited by 6 submitters); PubMed 28514183 (cited by 4 submitters); PubMed 29345684 (cited by 3 submitters); PubMed 24113346 (cited by Women's Health and Genetics/Laboratory Corporation of America, LabCorp and Quest Diagnostics Nichols Institute San Juan Capistrano); PubMed 23729388 (cited by 6 submitters); PubMed 31391288 (cited by Women's Health and Genetics/Laboratory Corporation of America, LabCorp and Quest Diagnostics Nichols Institute San Juan Capistrano); PubMed 31992580 (cited by 4 submitters); PubMed 35189042 (cited by 4 submitters); PubMed 23012243 (cited by 3 submitters); PubMed 23435383 (cited by Ambry Genetics); PubMed 37534630 (cited by Ambry Genetics); PubMed 32191290 (cited by Quest Diagnostics Nichols Institute San Juan Capistrano); PubMed 34357101 (cited by Quest Diagnostics Nichols Institute San Juan Capistrano and Mayo Clinic Laboratories, Mayo Clinic); PubMed 16873062 (cited by Myriad Genetics, Inc.); PubMed 18619468 (cited by Myriad Genetics, Inc.).